The following is an entry in ClinVar:

ClinVar aggregate classification (germline): Pathogenic. Review status: criteria provided, multiple submitters, no conflicts (2 of 4 stars). 2 submissions from 2 submitters: Pathogenic (2). Last evaluated 2026-09-10.

Conditions:
Cardiovascular phenotype. Identifiers: MedGen CN230736.
Hereditary cancer-predisposing syndrome. Also called: Hereditary Cancer Syndrome; Hereditary neoplastic syndrome; Neoplastic Syndromes, Hereditary; Tumor predisposition. Identifiers: Orphanet 140162, MedGen C0027672, MeSH D009386, MONDO:0015356.

gnomAD v4.1: 2 of 1,614,098 alleles (0.00012%); highest among the groups gnomAD compares: East Asian, 0.0022%; no homozygotes.

Submissions (2):

Ambry Genetics
Classification: Pathogenic for Cardiovascular phenotype; Hereditary cancer-predisposing syndrome. Last evaluated: 2026-09-10. Review status: criteria provided, single submitter. Criteria: Ambry Variant Classification Scheme 2023. Collection method: clinical testing. Allele origin: germline.
Comment: The c.549C>G (p.Y183*) alteration, located in exon 6 (coding exon 6) of the LZTR1 gene, consists of a C to G substitution at nucleotide position 549. This changes the amino acid from a tyrosine (Y) to a stop codon at amino acid position 183. This variant is expected to result in loss of function by premature protein truncation or nonsense-mediated mRNA decay. for autosomal recessive Noonan syndrome and is associated with an increased risk of LZTR1-related schwannomatosis (SWN); however, it is unlikely to be causative of autosomal dominant Noonan syndrome. This variant was not reported in population-based cohorts in the Genome Aggregation Database (gnomAD). Based on the available evidence, this alteration is classified as pathogenic.

Labcorp Genetics (formerly Invitae), Labcorp
Classification: Pathogenic. Last evaluated: 2025-10-24. Review status: criteria provided, single submitter. Criteria: Invitae Variant Classification Sherloc (09022015). Collection method: clinical testing. Allele origin: germline.
Comment: This sequence change creates a premature translational stop signal (p.Tyr183*) in the LZTR1 gene. It is expected to result in an absent or disrupted protein product. Loss-of-function variants in LZTR1 are known to be pathogenic (PMID: 24362817, 25335493, 25480913, 25795793, 29469822, 30368668, 30442762, 30442766, 30481304, 30859559). This variant is not present in population databases (gnomAD no frequency). This variant has not been reported in the literature in individuals affected with LZTR1-related conditions. ClinVar contains an entry for this variant (Variation ID: 1747900). For these reasons, this variant has been classified as Pathogenic.

Literature cited by the submitters: PubMed 24362817 (cited by Labcorp Genetics (formerly Invitae), Labcorp); PubMed 25335493 (cited by Labcorp Genetics (formerly Invitae), Labcorp); PubMed 25480913 (cited by Labcorp Genetics (formerly Invitae), Labcorp); PubMed 25795793 (cited by Labcorp Genetics (formerly Invitae), Labcorp); PubMed 29469822 (cited by Labcorp Genetics (formerly Invitae), Labcorp); PubMed 30368668 (cited by Labcorp Genetics (formerly Invitae), Labcorp); PubMed 30442762 (cited by Labcorp Genetics (formerly Invitae), Labcorp); PubMed 30442766 (cited by Labcorp Genetics (formerly Invitae), Labcorp); PubMed 30481304 (cited by Labcorp Genetics (formerly Invitae), Labcorp); PubMed 30859559 (cited by Labcorp Genetics (formerly Invitae), Labcorp).

NM_006767.4(LZTR1):c.549C>G (p.Tyr183Ter)

Gene: LZTR1 (leucine zipper like post translational regulator 1; plus strand). Cytogenetic location: 22q11.21.
Variant type: single nucleotide variant.
Coding change: c.549C>G on transcript NM_006767.4 (MANE Select); coding-DNA position 549, C replaced by G.
Protein change: p.Tyr183Ter; replaces tyrosine 183 with a stop codon.
Molecular consequence: nonsense.
Genome position (GRCh38, 1-based): chr22:20,988,828, C>G. VCF-style: chr22-20988828-C-G. GRCh37 (hg19) VCF-style: chr22-21343117-C-G.
Other names: short protein forms Y183*.
Identifiers: ClinVar variation 1747900 (VCV001747900.7), dbSNP rs2518614129, ClinGen allele CA410780152.